The following is an entry in ClinVar:

NM_017777.4(MKS1):c.1232G>C (p.Arg411Pro)

Gene: MKS1 (MKS transition zone complex subunit 1; minus strand). Cytogenetic location: 17q22.
Variant type: single nucleotide variant.
Coding change: c.1232G>C on transcript NM_017777.4 (MANE Select); coding-DNA position 1232, G replaced by C.
Protein change: p.Arg411Pro; replaces arginine 411 with proline.
Molecular consequence: missense variant.
Genome position (GRCh38, 1-based): chr17:58,207,935, C>G on the plus strand (G>C on the coding strand, the complement: MKS1 is on the minus strand). VCF-style: chr17-58207935-C-G. GRCh37 (hg19) VCF-style: chr17-56285296-C-G.
Other names: c.623G>C, p.Arg208Pro (NM_001321268.2); c.1232G>C, p.Arg411Pro (NM_001321269.2, NM_001330397.2); short protein forms R411P, R208P.
Identifiers: ClinVar variation 596563 (VCV000596563.11), dbSNP rs200679238, ClinGen allele CA8669224.
Genomic context (GRCh38, chr17:58,207,935, plus strand): 5'-GGCAGAGACGAGCGGTTACCTGGAGTGGCAGGCAGCACCACAGCCCCATAGCCTTCCACA[C>G]GGTACCTCTGCCAGAAGTCCAGCGAGAGGACCTCACAGTAGAGCACAGGCCACTCCGGGA-3'
Protein context (NP_060247.2, residues 401-421): VLSLDFWQRY[Arg411Pro]VEGYGAVVLP

ClinVar aggregate classification (germline): Uncertain significance. Review status: criteria provided, multiple submitters, no conflicts (2 of 4 stars). 4 submissions from 4 submitters: Uncertain significance (4). Last evaluated 2025-06-17.

Conditions:
Meckel-Gruber syndrome. Also called: DYSENCEPHALIA SPLANCHNOCYSTICA; GRUBER SYNDROME; Dysencephalia splachnocystica. Identifiers: Orphanet 564, MedGen C0265215, MONDO:0018921.
Joubert syndrome. Also called: Familial aplasia of the vermis; JOUBERT-BOLTSHAUSER SYNDROME. Identifiers: Orphanet 475, MedGen C5979921, MONDO:0018772.
MKS1-related disorder. Also called: MKS1-related disorders; MKS1-related condition. Identifiers: MedGen CN239382.

Allele frequency attached by ClinVar (database versions not stated): ESP Exome Variant Server 0.00008.
gnomAD v4.1: 14 of 1,613,990 alleles (0.00087%); highest among the groups gnomAD compares: African/African-American, 0.016%; no homozygotes.

Submissions (4):

PreventionGenetics, part of Exact Sciences
Classification: Uncertain significance for MKS1-related condition. Last evaluated: 2025-06-17. Review status: criteria provided, single submitter. Criteria: ACMG Guidelines, 2015. Collection method: clinical testing. Allele origin: germline.
Comment: The MKS1 c.1232G>C variant is predicted to result in the amino acid substitution p.Arg411Pro. To our knowledge, this variant has not been reported in the literature. This variant is reported in 0.025% of alleles in individuals of African descent in gnomAD. At this time, the clinical significance of this variant is uncertain due to the absence of conclusive functional and genetic evidence.

GeneDx
Classification: Uncertain significance. Last evaluated: 2022-05-06. Review status: criteria provided, single submitter. Criteria: GeneDx Variant Classification Process June 2021. Collection method: clinical testing. Allele origin: germline. Affected: yes.
Comment: In silico analysis supports that this missense variant has a deleterious effect on protein structure/function; Has not been previously published as pathogenic or benign to our knowledge

Labcorp Genetics (formerly Invitae), Labcorp
Classification: Uncertain significance for Joubert syndrome; Meckel-Gruber syndrome. Last evaluated: 2021-11-22. Review status: criteria provided, single submitter. Criteria: Invitae Variant Classification Sherloc (09022015). Collection method: clinical testing. Allele origin: germline.
Comment: This sequence change replaces arginine, which is basic and polar, with proline, which is neutral and non-polar, at codon 411 of the MKS1 protein (p.Arg411Pro). This variant is present in population databases (rs200679238, gnomAD 0.03%). This variant has not been reported in the literature in individuals affected with MKS1-related conditions. ClinVar contains an entry for this variant (Variation ID: 596563). Advanced modeling of protein sequence and biophysical properties (such as structural, functional, and spatial information, amino acid conservation, physicochemical variation, residue mobility, and thermodynamic stability) performed at Invitae indicates that this missense variant is expected to disrupt MKS1 protein function. In summary, the available evidence is currently insufficient to determine the role of this variant in disease. Therefore, it has been classified as a Variant of Uncertain Significance.

Eurofins Ntd Llc (ga)
Classification: Uncertain significance. Last evaluated: 2018-03-19. Review status: criteria provided, single submitter. Criteria: EGL ClinVar v180209 classification definitions. Collection method: clinical testing. Allele origin: germline. Observed: 1 variant allele, 1 heterozygote.